The following is an entry in ClinVar:

NM_005267.5(GJA8):c.144G>A (p.Glu48=)

Gene: GJA8 (gap junction protein alpha 8; plus strand). Cytogenetic location: 1q21.2.
Variant type: single nucleotide variant.
Coding change: c.144G>A on transcript NM_005267.5 (MANE Select); coding-DNA position 144, G replaced by A.
Protein change: p.Glu48=; no amino-acid change (glutamic acid 48 retained).
Molecular consequence: synonymous variant.
Genome position (GRCh38, 1-based): chr1:147,908,099, G>A. VCF-style: chr1-147908099-G-A. GRCh37 (hg19) VCF-style: chr1-147380226-G-A.
Identifiers: ClinVar variation 3057293 (VCV003057293.2), dbSNP rs2524889159, ClinGen allele CA420606764.
Genomic context (GRCh38, chr1:147,908,099, plus strand): 5'-GCTTTTCATCTTCCGGATCCTCATCCTTGGCACGGCCGCAGAGTTCGTGTGGGGGGATGA[G>A]CAATCCGACTTCGTGTGCAACACCCAGCAGCCTGGCTGCGAGAACGTCTGCTACGACGAG-3'
Protein context (NP_005258.2, residues 38-58): GTAAEFVWGD[Glu48=]QSDFVCNTQQ

ClinVar aggregate classification (germline): Likely benign (0 of 4 stars; one submission).

Conditions:
GJA8-related disorder. Also called: GJA8-related condition.

Allele frequency attached by ClinVar (database versions not stated): gnomAD exomes below 0.00001.
gnomAD v4.1: 1 of 1,614,220 alleles (0.000062%); highest among the groups gnomAD compares: Non-Finnish European, 0.000085%; no homozygotes.

Submission:

PreventionGenetics, part of Exact Sciences
Classification: Likely benign for GJA8-related condition. Last evaluated: 2019-04-26. Review status: no assertion criteria provided. Collection method: clinical testing. Allele origin: germline.
Comment: This variant is classified as likely benign based on ACMG/AMP sequence variant interpretation guidelines (Richards et al. 2015 PMID: 25741868, with internal and published modifications).